The following is an entry in ClinVar:

NM_002397.5(MEF2C):c.423C>T (p.Phe141=)

Gene: MEF2C (myocyte enhancer factor 2C; minus strand). Cytogenetic location: 5q14.3.
Variant type: single nucleotide variant.
Coding change: c.423C>T on transcript NM_002397.5 (MANE Select); coding-DNA position 423, C replaced by T.
Protein change: p.Phe141=; no amino-acid change (phenylalanine 141 retained).
Molecular consequence: synonymous variant. On other transcripts: 5 prime UTR variant (1).
Genome position (GRCh38, 1-based): chr5:88,752,023, G>A on the plus strand (C>T on the coding strand, the complement: MEF2C is on the minus strand). VCF-style: chr5-88752023-G-A. GRCh37 (hg19) VCF-style: chr5-88047840-G-A.
Other names: c.417C>T, p.Phe139= (NM_001131005.2, NM_001364343.2, NM_001364352.2); c.477C>T, p.Phe159= (NM_001193347.1, NM_001364338.2); c.279C>T, p.Phe93= (NM_001193348.1, NM_001193349.3, NM_001364332.2 and 3 more transcripts); c.423C>T, p.Phe141= (NM_001193350.2, NM_001308002.3, NM_001363581.2 and 18 more transcripts); c.45C>T, p.Phe15= (NM_001364353.2, NM_001364356.2); c.-4C>T (NM_001364357.2).
Identifiers: ClinVar variation 796246 (VCV000796246.35), dbSNP rs774945849, ClinGen allele CA3337286.

ClinVar aggregate classification (germline): Likely benign. Review status: criteria provided, multiple submitters, no conflicts (2 of 4 stars). 2 submissions from 2 submitters: Likely benign (2). Last evaluated 2025-09-14.

Conditions:
Neurodevelopmental disorder with hypotonia, stereotypic hand movements, and impaired language. Also called: Intellectual disability, autosomal dominant 20. Identifiers: Orphanet 228384, Orphanet 664410, MedGen C3150700, MONDO:0013266, OMIM 613443.

Allele frequency attached by ClinVar (database versions not stated): ExAC 0.00001; gnomAD 0.00001; gnomAD exomes 0.00001 and 0.00002; TOPMed 0.00001.
gnomAD v4.1: 12 of 1,609,350 alleles (0.00075%); highest among the groups gnomAD compares: East Asian, 0.0067%; no homozygotes.

Submissions (2):

Labcorp Genetics (formerly Invitae), Labcorp
Classification: Likely benign for Neurodevelopmental disorder with hypotonia, stereotypic hand movements, and impaired language. Last evaluated: 2025-09-14. Review status: criteria provided, single submitter. Criteria: Invitae Variant Classification Sherloc (09022015). Collection method: clinical testing. Allele origin: germline.

CeGaT Center for Human Genetics Tuebingen
Classification: Likely benign. Last evaluated: 2023-06-01. Review status: criteria provided, single submitter. Criteria: CeGaT Center For Human Genetics Tuebingen Variant Classification Criteria Version 2. Collection method: clinical testing. Allele origin: germline. Affected: yes. Observed: 1 variant allele.
Comment: MEF2C: BP4, BP7